The following is an entry in ClinVar:

ClinVar aggregate classification (germline): Uncertain significance (1 of 4 stars; one submission).

Allele frequency attached by ClinVar (database versions not stated): ExAC 0.00002; TOPMed 0.00002; gnomAD 0.00003; gnomAD exomes 0.00003.

Submission:

Labcorp Genetics (formerly Invitae), Labcorp
Classification: Uncertain significance. Last evaluated: 2021-08-23. Review status: criteria provided, single submitter. Criteria: Invitae Variant Classification Sherloc (09022015). Collection method: clinical testing. Allele origin: germline.
Comment: Advanced modeling of protein sequence and biophysical properties (such as structural, functional, and spatial information, amino acid conservation, physicochemical variation, residue mobility, and thermodynamic stability) performed at Invitae indicates that this missense variant is not expected to disrupt KCNV2 protein function. In summary, the available evidence is currently insufficient to determine the role of this variant in disease. Therefore, it has been classified as a Variant of Uncertain Significance. This variant has not been reported in the literature in individuals affected with KCNV2-related conditions. This variant is present in population databases (rs752669658, ExAC 0.004%). This sequence change replaces valine with methionine at codon 257 of the KCNV2 protein (p.Val257Met). The valine residue is highly conserved and there is a small physicochemical difference between valine and methionine.

NM_133497.4(KCNV2):c.769G>A (p.Val257Met)

Gene: KCNV2 (potassium voltage-gated channel modifier subfamily V member 2; plus strand). Cytogenetic location: 9p24.2.
Variant type: single nucleotide variant.
Coding change: c.769G>A on transcript NM_133497.4 (MANE Select); coding-DNA position 769, G replaced by A.
Protein change: p.Val257Met; replaces valine 257 with methionine.
Molecular consequence: missense variant.
Genome position (GRCh38, 1-based): chr9:2,718,508, G>A. VCF-style: chr9-2718508-G-A. GRCh37 (hg19) VCF-style: chr9-2718508-G-A.
Other names: short protein forms V257M.
Identifiers: ClinVar variation 1474421 (VCV001474421.6), dbSNP rs752669658, ClinGen allele CA4965613.